The following is an entry in ClinVar:

ClinVar aggregate classification (germline): Benign (0 of 4 stars; one submission).

Conditions:
CBLB-related disorder. Also called: CBLB-related condition.

Allele frequency attached by ClinVar (database versions not stated): ESP Exome Variant Server 0.01930; gnomAD 0.02190; TOPMed 0.02312; gnomAD exomes 0.02974; ExAC 0.03258; 1000 Genomes Project 30x 0.04216; 1000 Genomes Project 0.04533.
gnomAD v4.1: 47,088 of 1,614,090 alleles (2.9%); highest among the groups gnomAD compares: East Asian, 13%; 1,175 homozygotes.

Submission:

PreventionGenetics, part of Exact Sciences
Classification: Benign for CBLB-related condition. Last evaluated: 2019-05-28. Review status: no assertion criteria provided. Collection method: clinical testing. Allele origin: germline.
Comment: This variant is classified as benign based on ACMG/AMP sequence variant interpretation guidelines (Richards et al. 2015 PMID: 25741868, with internal and published modifications).

NM_170662.5(CBLB):c.1863G>A (p.Ala621=)

Gene: CBLB (Cbl proto-oncogene B; minus strand). Cytogenetic location: 3q13.11.
Variant type: single nucleotide variant.
Coding change: c.1863G>A on transcript NM_170662.5 (MANE Select); coding-DNA position 1863, G replaced by A.
Protein change: p.Ala621=; no amino-acid change (alanine 621 retained).
Molecular consequence: synonymous variant. On other transcripts: non-coding transcript variant (7).
Genome position (GRCh38, 1-based): chr3:105,702,190, C>T on the plus strand (G>A on the coding strand, the complement: CBLB is on the minus strand). VCF-style: chr3-105702190-C-T. GRCh37 (hg19) VCF-style: chr3-105421034-C-T.
Other names: c.1947G>A, p.Ala649= (NM_001321786.1, NM_001321789.1); c.1863G>A, p.Ala621= (NM_001321788.2, NM_001321791.2, NM_001321793.2 and 4 more transcripts); c.1929G>A, p.Ala643= (NM_001321790.2); c.1716G>A, p.Ala572= (NM_001321796.2, NM_001321799.2); c.1083G>A, p.Ala361= (NM_001321806.2, NM_001321807.2, NM_001321808.2 and 3 more transcripts); c.675G>A, p.Ala225= (NM_001321820.2); c.534G>A, p.Ala178= (NM_001321822.2).
Identifiers: ClinVar variation 3060876 (VCV003060876.2), dbSNP rs3772534, ClinGen allele CA2524647.